The following is an entry in ClinVar:

NM_004360.5(CDH1):c.148C>G (p.Arg50Gly)

Gene: CDH1 (cadherin 1; plus strand). Cytogenetic location: 16q22.1.
Variant type: single nucleotide variant.
Coding change: c.148C>G on transcript NM_004360.5 (MANE Select); coding-DNA position 148, C replaced by G.
Protein change: p.Arg50Gly; replaces arginine 50 with glycine.
Molecular consequence: missense variant. On other transcripts: 5 prime UTR variant (2).
Genome position (GRCh38, 1-based): chr16:68,738,396, C>G. VCF-style: chr16-68738396-C-G. GRCh37 (hg19) VCF-style: chr16-68772299-C-G.
Other names: c.148C>G, p.Arg50Gly (NM_001317184.2); c.-1468C>G (NM_001317185.2); c.-1672C>G (NM_001317186.2); c.148C>G (NM_004360.4); short protein forms R50G.
Identifiers: ClinVar variation 1439656 (VCV001439656.9), dbSNP rs876659739, ClinGen allele CA396452276.
Genomic context (GRCh38, chr16:68,738,396, plus strand): 5'-CCTGGCTTTGACGCCGAGAGCTACACGTTCACGGTGCCCCGGCGCCACCTGGAGAGAGGC[C>G]GCGTCCTGGGCAGAGGTGAGGGCGCGCTGCCGGTGTCCCTGGGCGGAGTAGGGAGGGGTT-3'
Protein context (NP_004351.1, residues 40-60): TVPRRHLERG[Arg50Gly]VLGRVNFEDC

ClinVar aggregate classification (germline): Uncertain significance. Review status: criteria provided, multiple submitters, no conflicts (2 of 4 stars). 2 submissions from 2 submitters: Uncertain significance (2). Last evaluated 2024-03-26.

Conditions:
Hereditary diffuse gastric adenocarcinoma (HDGC). Also called: DIFFUSE GASTRIC AND LOBULAR BREAST CANCER SYNDROME. Identifiers: Orphanet 26106, MedGen C1708349, MONDO:0007648, OMIM 137215.

Submissions (2):

Labcorp Genetics (formerly Invitae), Labcorp
Classification: Uncertain significance for Hereditary diffuse gastric adenocarcinoma. Last evaluated: 2024-03-26. Review status: criteria provided, single submitter. Criteria: Invitae Variant Classification Sherloc (09022015). Collection method: clinical testing. Allele origin: germline.
Comment: This sequence change replaces arginine, which is basic and polar, with glycine, which is neutral and non-polar, at codon 50 of the CDH1 protein (p.Arg50Gly). This variant is not present in population databases (gnomAD no frequency). This variant has not been reported in the literature in individuals affected with CDH1-related conditions. ClinVar contains an entry for this variant (Variation ID: 1439656). An algorithm developed to predict the effect of missense changes on protein structure and function (PolyPhen-2) suggests that this variant is likely to be disruptive. In summary, the available evidence is currently insufficient to determine the role of this variant in disease. Therefore, it has been classified as a Variant of Uncertain Significance.

Quest Diagnostics Nichols Institute San Juan Capistrano
Classification: Uncertain significance. Last evaluated: 2023-10-18. Review status: criteria provided, single submitter. Criteria: Quest Diagnostics criteria. Collection method: clinical testing. Allele origin: unknown.
Comment: The CDH1 c.148C>G (p.Arg50Gly) variant has not been reported in individuals with CDH1-related conditions the published literature. It also has not been reported in large, multi-ethnic general populations (Genome Aggregation Database). Analysis of this variant using bioinformatics tools for the prediction of the effect of amino acid changes on protein structure and function yielded conflicting predictions that this variant is benign or damaging. Based on the available information, we are unable to determine the clinical significance of this variant.